The following is an entry in ClinVar:

NM_001451.3(FOXF1):c.449C>T (p.Ala150Val)

Gene: FOXF1 (forkhead box F1; plus strand). Cytogenetic location: 16q24.1.
Variant type: single nucleotide variant.
Coding change: c.449C>T on transcript NM_001451.3 (MANE Select); coding-DNA position 449, C replaced by T.
Protein change: p.Ala150Val; replaces alanine 150 with valine.
Molecular consequence: missense variant.
Genome position (GRCh38, 1-based): chr16:86,511,018, C>T. VCF-style: chr16-86511018-C-T. GRCh37 (hg19) VCF-style: chr16-86544624-C-T.
Other names: short protein forms A150V.
Identifiers: ClinVar variation 4694034 (VCV004694034.1).

ClinVar aggregate classification (germline): Uncertain significance (1 of 4 stars; one submission).

gnomAD v4.1: 16 of 1,612,334 alleles (0.00099%); highest among the groups gnomAD compares: Non-Finnish European, 0.0014%; no homozygotes.

Submission:

Labcorp Genetics (formerly Invitae), Labcorp
Classification: Uncertain significance. Last evaluated: 2025-11-03. Review status: criteria provided, single submitter. Criteria: Invitae Variant Classification Sherloc (09022015). Collection method: clinical testing. Allele origin: germline.
Comment: This sequence change replaces alanine, which is neutral and non-polar, with valine, which is neutral and non-polar, at codon 150 of the FOXF1 protein (p.Ala150Val). This variant is present in population databases (no rsID available, gnomAD 0.007%). This variant has not been reported in the literature in individuals affected with FOXF1-related conditions. Invitae Evidence Modeling of protein sequence and biophysical properties (such as structural, functional, and spatial information, amino acid conservation, physicochemical variation, residue mobility, and thermodynamic stability) indicates that this missense variant is not expected to disrupt FOXF1 protein function with a negative predictive value of 80%. In summary, the available evidence is currently insufficient to determine the role of this variant in disease. Therefore, it has been classified as a Variant of Uncertain Significance.